The following is an entry in ClinVar:

Conditions:
Long QT syndrome 5 (LQT5). Identifiers: Orphanet 101016, Orphanet 768, MedGen C1867904, MONDO:0013372, OMIM 613695.

Submission:

Roden Lab, Vanderbilt University Medical Center
No classification provided (evidence only). Condition: Long QT syndrome 5. Review status: no classification provided. Collection method: in vitro. Allele origin: not applicable. Functional consequence: Effect on ion channel function.
ClinVar note: "not provided" was previously submitted as the classification for the variant. However, the classification appeared to be based only on an observation of functional data so it was converted to no classification on 2025-07-30.

NM_000219.6(KCNE1):c.216G>T (p.Glu72Asp)

Gene: KCNE1 (potassium voltage-gated channel subfamily E regulatory subunit 1; minus strand). Cytogenetic location: 21q22.12.
Variant type: single nucleotide variant.
Coding change: c.216G>T on transcript NM_000219.6 (MANE Select); coding-DNA position 216, G replaced by T.
Protein change: p.Glu72Asp; replaces glutamic acid 72 with aspartic acid.
Molecular consequence: missense variant.
Genome position (GRCh38, 1-based): chr21:34,449,419, C>A on the plus strand (G>T on the coding strand, the complement: KCNE1 is on the minus strand). VCF-style: chr21-34449419-C-A. GRCh37 (hg19) VCF-style: chr21-35821717-C-A.
Other names: c.216G>T, p.Glu72Asp (NM_001127668.4, NM_001127669.4, NM_001127670.4 and 4 more transcripts); short protein forms E72D.
Identifiers: ClinVar variation 3374353 (VCV003374353.2).
Genomic context (GRCh38, chr21:34,449,419, plus strand): 5'-CTTGTCCTTCTCTTGCCAGGCATCGGACTCGATGTAGACGTTGAATGGGTCGTTCGAGTG[C>A]TCCAGCTTCTTGGAGCGGATGTAGCTCAGCATGATGCCCAGGGTGAAGAAGCCGAAGAAT-3'
Protein context (NP_000210.2, residues 62-82): MLSYIRSKKL[Glu72Asp]HSNDPFNVYI